The following is an entry in ClinVar:

ClinVar aggregate classification (germline): Uncertain significance. Review status: reviewed by expert panel (3 of 4 stars). 2 submissions from 2 submitters: Uncertain significance (1). 1 of the submissions does not count toward it. Last evaluated 2025-01-15.

Conditions:
Hereditary thrombocytopenia and hematological cancer predisposition syndrome associated with RUNX1. Also called: Familial Platelet Disorder with Propensity to Acute Myelogenous Leukemia; Familial thrombocytopenia with propensity to acute myelogenous leukemia; PLATELET DISORDER, ASPIRIN-LIKE; RUNX1 Familial Platelet Disorder with Associated Myeloid Malignancies. Identifiers: Orphanet 71290, MedGen C1832388, MeSH C563324, MONDO:0100083, OMIM 601399.
Hereditary thrombocytopenia and hematologic cancer predisposition syndrome. Identifiers: Orphanet 71290, MedGen CN281654, MONDO:0011071.

Allele frequency attached by ClinVar (database versions not stated): gnomAD exomes below 0.00001.
gnomAD v4.1: 6 of 1,535,976 alleles (0.00039%); highest among the groups gnomAD compares: Non-Finnish European, 0.00052%; no homozygotes.

Submissions (2):

ClinGen Myeloid Malignancy Variant Curation Expert Panel
Classification: Uncertain significance for Hereditary thrombocytopenia and hematologic cancer predisposition syndrome. Last evaluated: 2025-01-15. Review status: reviewed by expert panel. Criteria: ClinGen MyeloMalig ACMG Specifications v2. Collection method: curation. Allele origin: germline. Inheritance: Autosomal dominant inheritance.
Comment: NM_001754.5(RUNX1):c.1382A>G (p.Asn461Ser) is a missense variant which does not meet any ACMG/AMP criteria. In summary, the clinical significance of this variant is uncertain. ACMG/AMP criteria applied, as specified by the Myeloid Malignancy Variant Curation Expert Panel for RUNX1: None.

Labcorp Genetics (formerly Invitae), Labcorp
Classification: Uncertain significance for Hereditary thrombocytopenia and hematological cancer predisposition syndrome associated with RUNX1. Last evaluated: 2022-04-09. Review status: criteria provided, single submitter. Criteria: Invitae Variant Classification Sherloc (09022015). Collection method: clinical testing. Allele origin: germline. Not counted in ClinVar's aggregate classification.
Comment: In summary, the available evidence is currently insufficient to determine the role of this variant in disease. Therefore, it has been classified as a Variant of Uncertain Significance. Algorithms developed to predict the effect of missense changes on protein structure and function (SIFT, PolyPhen-2, Align-GVGD) all suggest that this variant is likely to be tolerated. This variant has not been reported in the literature in individuals affected with RUNX1-related conditions. This variant is not present in population databases (gnomAD no frequency). This sequence change replaces asparagine, which is neutral and polar, with serine, which is neutral and polar, at codon 461 of the RUNX1 protein (p.Asn461Ser).

NM_001754.5(RUNX1):c.1382A>G (p.Asn461Ser)

Gene: RUNX1 (RUNX family transcription factor 1; minus strand). Cytogenetic location: 21q22.12.
Variant type: single nucleotide variant.
Coding change: c.1382A>G on transcript NM_001754.5 (MANE Select); coding-DNA position 1382, A replaced by G.
Protein change: p.Asn461Ser; replaces asparagine 461 with serine.
Molecular consequence: missense variant.
Genome position (GRCh38, 1-based): chr21:34,792,196, T>C on the plus strand (A>G on the coding strand, the complement: RUNX1 is on the minus strand). VCF-style: chr21-34792196-T-C. GRCh37 (hg19) VCF-style: chr21-36164493-T-C.
Other names: NM_001754.5(RUNX1):c.1382A>G; p.Asn461Ser; c.1301A>G, p.Asn434Ser (NM_001001890.3); short protein forms N434S, N461S.
Identifiers: ClinVar variation 2123722 (VCV002123722.5), dbSNP rs1601332087, ClinGen allele CA410146982.